The following is an entry in ClinVar:

ClinVar aggregate classification (germline): Uncertain significance (1 of 4 stars; one submission).

Conditions:
Inborn genetic diseases. Identifiers: MedGen C0950123, MeSH D030342.

Submission:

Ambry Genetics
Classification: Uncertain significance for Inborn genetic diseases. Last evaluated: 2022-04-22. Review status: criteria provided, single submitter. Criteria: Ambry Variant Classification Scheme 2023. Collection method: clinical testing. Allele origin: germline.
Comment: The p.G1624V variant (also known as c.4871G>T), located in coding exon 34 of the LRRK2 gene, results from a G to T substitution at nucleotide position 4871. The glycine at codon 1624 is replaced by valine, an amino acid with dissimilar properties. This amino acid position is conserved. In addition, this alteration is predicted to be deleterious by in silico analysis. Since supporting evidence is limited at this time, the clinical significance of this alteration remains unclear.

NM_198578.4(LRRK2):c.4871G>T (p.Gly1624Val)

Gene: LRRK2 (leucine rich repeat kinase 2; plus strand). Cytogenetic location: 12q12.
Variant type: single nucleotide variant.
Coding change: c.4871G>T on transcript NM_198578.4 (MANE Select); coding-DNA position 4871, G replaced by T.
Protein change: p.Gly1624Val; replaces glycine 1624 with valine.
Molecular consequence: missense variant.
Genome position (GRCh38, 1-based): chr12:40,320,031, G>T. VCF-style: chr12-40320031-G-T. GRCh37 (hg19) VCF-style: chr12-40713833-G-T.
Other names: short protein forms G1624V.
Identifiers: ClinVar variation 1743726 (VCV001743726.2), dbSNP rs2499873141, ClinGen allele CA384419481.